The following is an entry in ClinVar:

ClinVar aggregate classification (germline): Likely benign (1 of 4 stars; one submission).

Allele frequency attached by ClinVar (database versions not stated): gnomAD exomes below 0.00001.
gnomAD v4.1: 1 of 1,211,457 alleles (0.000083%); highest among the groups gnomAD compares: Non-Finnish European, 0.00011%; no homozygotes.

Submission:

CeGaT Center for Human Genetics Tuebingen
Classification: Likely benign. Last evaluated: 2023-03-01. Review status: criteria provided, single submitter. Criteria: CeGaT Center For Human Genetics Tuebingen Variant Classification Criteria Version 2. Collection method: clinical testing. Allele origin: germline. Affected: yes. Observed: 1 variant allele.
Comment: DCX: PM2:Supporting, BP4, BP7

NM_001195553.2(DCX):c.-22-498G>A

Gene: DCX (doublecortin; minus strand). Cytogenetic location: Xq23.
Variant type: single nucleotide variant.
Coding change: c.-22-498G>A on transcript NM_001195553.2 (MANE Select); 498 bases into the intron before 22 bases upstream of the start codon, G replaced by A.
Molecular consequence: intron variant. On other transcripts: synonymous variant (1).
Genome position (GRCh38, 1-based): chrX:111,410,918, C>T on the plus strand (G>A on the coding strand, the complement: DCX is on the minus strand). VCF-style: chrX-111410918-C-T. GRCh37 (hg19) VCF-style: chrX-110654146-C-T.
Other names: c.57G>A, p.Lys19= (NM_000555.3); c.-22-498G>A (NM_001369373.1, NM_178153.3, NM_001369372.1 and 6 more transcripts).
Identifiers: ClinVar variation 2661206 (VCV002661206.24), dbSNP rs2524862353, ClinGen allele CA518034216.